The following is an entry in ClinVar:

ClinVar aggregate classification (germline): Uncertain significance (1 of 4 stars; one submission).

Conditions:
Inborn genetic diseases. Identifiers: MedGen C0950123, MeSH D030342.

gnomAD v4.1: 3 of 1,613,824 alleles (0.00019%); highest among the groups gnomAD compares: Non-Finnish European, 0.00025%; no homozygotes.

Submission:

Ambry Genetics
Classification: Uncertain significance for Inborn genetic diseases. Last evaluated: 2026-08-08. Review status: criteria provided, single submitter. Criteria: Ambry Variant Classification Scheme 2023. Collection method: clinical testing. Allele origin: germline.
Comment: The p.K1519E variant (also known as c.4555A>G), located in coding exon 1 of the SAMD9L gene, results from an A to G substitution at nucleotide position 4555. The lysine at codon 1519 is replaced by glutamic acid, an amino acid with similar properties. This amino acid position is conserved. In addition, this alteration is predicted to be tolerated by in silico analysis. Based on the available evidence, the clinical significance of this variant remains unclear.

NM_152703.5(SAMD9L):c.4555A>G (p.Lys1519Glu)

Gene: SAMD9L (sterile alpha motif domain containing 9 like; minus strand). Cytogenetic location: 7q21.2.
Variant type: single nucleotide variant.
Coding change: c.4555A>G on transcript NM_152703.5 (MANE Select); coding-DNA position 4555, A replaced by G.
Protein change: p.Lys1519Glu; replaces lysine 1519 with glutamic acid.
Molecular consequence: missense variant.
Genome position (GRCh38, 1-based): chr7:93,131,417, T>C on the plus strand (A>G on the coding strand, the complement: SAMD9L is on the minus strand). VCF-style: chr7-93131417-T-C. GRCh37 (hg19) VCF-style: chr7-92760730-T-C.
Other names: c.4555A>G, p.Lys1519Glu (NM_001303496.3, NM_001303497.3, NM_001303498.3 and 5 more transcripts); short protein forms K1519E.
Identifiers: ClinVar variation 5028935 (VCV005028935.1).